The following is an entry in ClinVar:

ClinVar aggregate classification (germline): Uncertain significance (1 of 4 stars; one submission).

Submission:

Labcorp Genetics (formerly Invitae), Labcorp
Classification: Uncertain significance. Last evaluated: 2023-08-04. Review status: criteria provided, single submitter. Criteria: Invitae Variant Classification Sherloc (09022015). Collection method: clinical testing. Allele origin: germline.
Comment: Advanced modeling of protein sequence and biophysical properties (such as structural, functional, and spatial information, amino acid conservation, physicochemical variation, residue mobility, and thermodynamic stability) performed at Invitae indicates that this missense variant is not expected to disrupt PLAA protein function. In summary, the available evidence is currently insufficient to determine the role of this variant in disease. Therefore, it has been classified as a Variant of Uncertain Significance. ClinVar contains an entry for this variant (Variation ID: 1511787). This variant has not been reported in the literature in individuals affected with PLAA-related conditions. This variant is not present in population databases (gnomAD no frequency). This sequence change replaces asparagine, which is neutral and polar, with threonine, which is neutral and polar, at codon 410 of the PLAA protein (p.Asn410Thr).

NM_001031689.3(PLAA):c.1229A>C (p.Asn410Thr)

Gene: PLAA (phospholipase A2 activating protein; minus strand). Cytogenetic location: 9p21.2.
Variant type: single nucleotide variant.
Coding change: c.1229A>C on transcript NM_001031689.3 (MANE Select); coding-DNA position 1229, A replaced by C.
Protein change: p.Asn410Thr; replaces asparagine 410 with threonine.
Molecular consequence: missense variant.
Genome position (GRCh38, 1-based): chr9:26,919,498, T>G on the plus strand (A>C on the coding strand, the complement: PLAA is on the minus strand). VCF-style: chr9-26919498-T-G. GRCh37 (hg19) VCF-style: chr9-26919496-T-G.
Other names: c.1229A>C, p.Asn410Thr (NM_001321546.2); short protein forms N410T.
Identifiers: ClinVar variation 1511787 (VCV001511787.6), dbSNP rs1381447481, ClinGen allele CA373132284.
Genomic context (GRCh38, chr9:26,919,498, plus strand): 5'-GCAGTTAACCAAGGGTCATCACTGGTATTATATGGCAATTTATATGATGGTCCACCTTCA[T>G]TGACATCAATTGAGAAAACATAATCAAATTCCTAAAGTAGGAATATAAAAAGGAGATACA-3'
Protein context (NP_001026859.1, residues 400-420): EFDYVFSIDV[Asn410Thr]EGGPSYKLPY